The following is an entry in ClinVar:

ClinVar aggregate classification (germline): Uncertain significance (1 of 4 stars; one submission).

Conditions:
Long QT syndrome (LQTS). Identifiers: MedGen C0023976, MeSH D008133, MONDO:0002442. Disease mechanism: loss of function. Inheritance: Various modes of inheritance.

Submission:

Labcorp Genetics (formerly Invitae), Labcorp
Classification: Uncertain significance for Long QT syndrome. Last evaluated: 2023-11-17. Review status: criteria provided, single submitter. Criteria: Invitae Variant Classification Sherloc (09022015). Collection method: clinical testing. Allele origin: germline.
Comment: This sequence change replaces leucine, which is neutral and non-polar, with phenylalanine, which is neutral and non-polar, at codon 2128 of the CACNA1C protein (p.Leu2128Phe). This variant is not present in population databases (gnomAD no frequency). This variant has not been reported in the literature in individuals affected with CACNA1C-related conditions. Advanced modeling of protein sequence and biophysical properties (such as structural, functional, and spatial information, amino acid conservation, physicochemical variation, residue mobility, and thermodynamic stability) performed at Invitae indicates that this missense variant is not expected to disrupt CACNA1C protein function with a negative predictive value of 95%. In summary, the available evidence is currently insufficient to determine the role of this variant in disease. Therefore, it has been classified as a Variant of Uncertain Significance.

NM_000719.7(CACNA1C):c.6382C>T (p.Leu2128Phe)

Gene: CACNA1C (calcium voltage-gated channel subunit alpha1 C; plus strand). Cytogenetic location: 12p13.33.
Variant type: single nucleotide variant.
Coding change: c.6382C>T on transcript NM_000719.7 (MANE Select); coding-DNA position 6382, C replaced by T.
Protein change: p.Leu2128Phe; replaces leucine 2128 with phenylalanine.
Molecular consequence: missense variant.
Genome position (GRCh38, 1-based): chr12:2,691,164, C>T. VCF-style: chr12-2691164-C-T. GRCh37 (hg19) VCF-style: chr12-2800330-C-T.
Other names: c.6526C>T, p.Leu2176Phe (NM_001129827.2); c.6505C>T, p.Leu2169Phe (NM_001129829.2); c.6487C>T, p.Leu2163Phe (NM_001129830.3, NM_001167624.3); c.6466C>T, p.Leu2156Phe (NM_001129831.2); c.6442C>T, p.Leu2148Phe (NM_001129832.2); c.6439C>T, p.Leu2147Phe (NM_001129833.2, NM_001129834.2, NM_001129835.2); c.6433C>T, p.Leu2145Phe (NM_001129836.2); c.6406C>T, p.Leu2136Phe (NM_001129837.2, NM_001129838.2); and 6 more; short protein forms L2147F, L2156F, L2169F, L2176F, L2211F, L2136F, L2145F, L2117F.
Identifiers: ClinVar variation 2693991 (VCV002693991.3), dbSNP rs2097784040, ClinGen allele CA383387788.